The following is an entry in ClinVar:

NM_021620.4(PRDM13):c.1517C>T (p.Ala506Val)

Gene: PRDM13 (PR/SET domain 13; plus strand). Cytogenetic location: 6q16.2.
Variant type: single nucleotide variant.
Coding change: c.1517C>T on transcript NM_021620.4 (MANE Select); coding-DNA position 1517, C replaced by T.
Protein change: p.Ala506Val; replaces alanine 506 with valine.
Molecular consequence: missense variant.
Genome position (GRCh38, 1-based): chr6:99,614,152, C>T. VCF-style: chr6-99614152-C-T. GRCh37 (hg19) VCF-style: chr6-100062028-C-T.
Other names: short protein forms A506V.
Identifiers: ClinVar variation 3685838 (VCV003685838.2).

ClinVar aggregate classification (germline): Uncertain significance (1 of 4 stars; one submission).

gnomAD v4.1: 4 of 1,600,510 alleles (0.00025%); highest among the groups gnomAD compares: African/African-American, 0.004%; no homozygotes.

Submission:

Labcorp Genetics (formerly Invitae), Labcorp
Classification: Uncertain significance. Last evaluated: 2024-07-21. Review status: criteria provided, single submitter. Criteria: Invitae Variant Classification Sherloc (09022015). Collection method: clinical testing. Allele origin: germline.
Comment: This sequence change replaces alanine, which is neutral and non-polar, with valine, which is neutral and non-polar, at codon 506 of the PRDM13 protein (p.Ala506Val). This variant is not present in population databases (gnomAD no frequency). This variant has not been reported in the literature in individuals affected with PRDM13-related conditions. An algorithm developed to predict the effect of missense changes on protein structure and function (PolyPhen-2) suggests that this variant is likely to be tolerated. In summary, the available evidence is currently insufficient to determine the role of this variant in disease. Therefore, it has been classified as a Variant of Uncertain Significance.